The following is an entry in ClinVar:

NM_006846.4(SPINK5):c.2042G>A (p.Arg681Lys)

Gene: SPINK5 (serine peptidase inhibitor Kazal type 5; plus strand). Cytogenetic location: 5q32.
Variant type: single nucleotide variant.
Coding change: c.2042G>A on transcript NM_006846.4 (MANE Select); coding-DNA position 2042, G replaced by A.
Protein change: p.Arg681Lys; replaces arginine 681 with lysine.
Molecular consequence: missense variant.
Genome position (GRCh38, 1-based): chr5:148,116,396, G>A. VCF-style: chr5-148116396-G-A. GRCh37 (hg19) VCF-style: chr5-147495959-G-A.
Other names: c.2042G>A, p.Arg681Lys (NM_001127698.2, NM_001127699.2); short protein forms R681K.
Identifiers: ClinVar variation 2436313 (VCV002436313.5), dbSNP rs552753458, ClinGen allele CA3495842.
Genomic context (GRCh38, chr5:148,116,396, plus strand): 5'-TATTGTTCCCTACCTCCCACTTTCTAATTTCCAGCCAGAAAGAAAATGAGGAAAGAAAGA[G>A]GAAAGAAGAGGAAGATCAGAGAAATGCTGCAGGACATGGTTCCAGTGGTGGTGGAGGAGG-3'
Protein context (NP_006837.2, residues 671-691): VFQKENEERK[Arg681Lys]KEEEDQRNAA

ClinVar aggregate classification (germline): Uncertain significance. Review status: criteria provided, multiple submitters, no conflicts (2 of 4 stars). 2 submissions from 2 submitters: Uncertain significance (2). Last evaluated 2024-06-25.

Conditions:
Ichthyosis linearis circumflexa. Identifiers: MedGen C0265962, MONDO:0043106, HP:0025810.
Netherton syndrome (NETH). Also called: ERYTHRODERMA, ICHTHYOSIFORM, WITH HYPOTRICHOSIS AND HYPER-IgE; COMEL-NETHERTON SYNDROME; NETHERTON DISEASE. Identifiers: Orphanet 634, MedGen C5574950, MONDO:0009735, OMIM 256500.

Allele frequency attached by ClinVar (database versions not stated): gnomAD exomes below 0.00001; TOPMed below 0.00001; ExAC 0.00001; gnomAD 0.00001; 1000 Genomes Project 30x 0.00016; 1000 Genomes Project 0.00020.
gnomAD v4.1: 4 of 1,614,102 alleles (0.00025%); highest among the groups gnomAD compares: South Asian, 0.0022%; no homozygotes.

Submissions (2):

Labcorp Genetics (formerly Invitae), Labcorp
Classification: Uncertain significance for Ichthyosis linearis circumflexa. Last evaluated: 2024-06-25. Review status: criteria provided, single submitter. Criteria: Invitae Variant Classification Sherloc (09022015). Collection method: clinical testing. Allele origin: germline.
Comment: This sequence change replaces arginine, which is basic and polar, with lysine, which is basic and polar, at codon 681 of the SPINK5 protein (p.Arg681Lys). This variant is present in population databases (rs552753458, gnomAD 0.003%). This variant has not been reported in the literature in individuals affected with SPINK5-related conditions. ClinVar contains an entry for this variant (Variation ID: 2436313). Advanced modeling of protein sequence and biophysical properties (such as structural, functional, and spatial information, amino acid conservation, physicochemical variation, residue mobility, and thermodynamic stability) performed at Invitae indicates that this missense variant is not expected to disrupt SPINK5 protein function with a negative predictive value of 80%. In summary, the available evidence is currently insufficient to determine the role of this variant in disease. Therefore, it has been classified as a Variant of Uncertain Significance.

Revvity Omics, Revvity
Classification: Uncertain significance for Netherton syndrome. Last evaluated: 2020-02-07. Review status: criteria provided, single submitter. Criteria: ACMG Guidelines, 2015. Collection method: clinical testing. Allele origin: germline.